The following is an entry in ClinVar:

ClinVar aggregate classification (germline): Pathogenic (1 of 4 stars; one submission).

Conditions:
Pontocerebellar hypoplasia type 2E. Identifiers: Orphanet 247198, MedGen C4014488, MONDO:0014370, OMIM 615851.

Submission:

Myriad Genetics, Inc.
Classification: Pathogenic for Pontocerebellar hypoplasia type 2E. Last evaluated: 2023-11-19. Review status: criteria provided, single submitter. Criteria: Myriad Autosomal Dominant, Autosomal Recessive and X-Linked Classification Criteria (2023). Collection method: clinical testing. Allele origin: unknown.
Comment: NM_001128159.2(VPS53):c.839G>A(W280*) is expected to be pathogenic in the context of pontocerebellar hypoplasia, VPS53-related. This variant is predicted to lead to an abnormal or absent protein product due to the creation of a premature termination codon in VPS53, a gene where loss-of-function variants are known to be pathogenic. Please note: this variant was assessed in the context of healthy population screening.

NM_001128159.3(VPS53):c.839G>A (p.Trp280Ter)

Gene: VPS53 (VPS53 subunit of GARP complex; minus strand). Cytogenetic location: 17p13.3.
Variant type: single nucleotide variant.
Coding change: c.839G>A on transcript NM_001128159.3 (MANE Select); coding-DNA position 839, G replaced by A.
Protein change: p.Trp280Ter; replaces tryptophan 280 with a stop codon.
Molecular consequence: nonsense.
Genome position (GRCh38, 1-based): chr17:627,309, C>T on the plus strand (G>A on the coding strand, the complement: VPS53 is on the minus strand). VCF-style: chr17-627309-C-T. GRCh37 (hg19) VCF-style: chr17-530549-C-T.
Other names: c.839G>A, p.Trp280Ter (NM_001366253.2); c.245G>A, p.Trp82Ter (NM_001366254.2); c.752G>A, p.Trp251Ter (NM_018289.4); short protein forms W251*, W280*, W82*.
Identifiers: ClinVar variation 5012500 (VCV005012500.1).